The following is an entry in ClinVar:

NM_004371.4(COPA):c.3532C>T (p.Arg1178Cys)

Gene: COPA (coat protein complex I subunit alpha; minus strand). Cytogenetic location: 1q23.2.
Variant type: single nucleotide variant.
Coding change: c.3532C>T on transcript NM_004371.4 (MANE Select); coding-DNA position 3532, C replaced by T.
Protein change: p.Arg1178Cys; replaces arginine 1178 with cysteine.
Molecular consequence: missense variant.
Genome position (GRCh38, 1-based): chr1:160,290,575, G>A on the plus strand (C>T on the coding strand, the complement: COPA is on the minus strand). VCF-style: chr1-160290575-G-A. GRCh37 (hg19) VCF-style: chr1-160260365-G-A.
Other names: c.3559C>T, p.Arg1187Cys (NM_001098398.2); short protein forms R1178C, R1187C.
Identifiers: ClinVar variation 2199622 (VCV002199622.4), dbSNP rs745912040, ClinGen allele CA1197597.

ClinVar aggregate classification (germline): Uncertain significance (1 of 4 stars; one submission).

Conditions:
Autoimmune interstitial lung disease-arthritis syndrome. Also called: Autoinflammation and autoimmunity, systemic, with immune dysregulation. Identifiers: Orphanet 444092, MedGen C5975714, MONDO:0014629.

Allele frequency attached by ClinVar (database versions not stated): ExAC 0.00002; gnomAD exomes 0.00002; TOPMed 0.00002; gnomAD 0.00003.
gnomAD v4.1: 28 of 1,614,072 alleles (0.0017%); highest among the groups gnomAD compares: African/African-American, 0.008%; no homozygotes.

Submission:

Labcorp Genetics (formerly Invitae), Labcorp
Classification: Uncertain significance for Autoimmune interstitial lung disease-arthritis syndrome. Last evaluated: 2025-05-19. Review status: criteria provided, single submitter. Criteria: Invitae Variant Classification Sherloc (09022015). Collection method: clinical testing. Allele origin: germline.
Comment: This sequence change replaces arginine, which is basic and polar, with cysteine, which is neutral and slightly polar, at codon 1178 of the COPA protein (p.Arg1178Cys). This variant is present in population databases (rs745912040, gnomAD 0.009%). This variant has not been reported in the literature in individuals affected with COPA-related conditions. ClinVar contains an entry for this variant (Variation ID: 2199622). Invitae Evidence Modeling of protein sequence and biophysical properties (such as structural, functional, and spatial information, amino acid conservation, physicochemical variation, residue mobility, and thermodynamic stability) indicates that this missense variant is expected to disrupt COPA protein function with a positive predictive value of 80%. In summary, the available evidence is currently insufficient to determine the role of this variant in disease. Therefore, it has been classified as a Variant of Uncertain Significance.